The following is an entry in ClinVar:

ClinVar aggregate classification (germline): Likely benign. Review status: criteria provided, multiple submitters, no conflicts (2 of 4 stars). 2 submissions from 2 submitters: Likely benign (2). Last evaluated 2023-12-18.

Conditions:
Charcot-Marie-Tooth disease axonal type 2O. Also called: CHARCOT-MARIE-TOOTH NEUROPATHY, AXONAL, TYPE 2O; CHARCOT-MARIE-TOOTH DISEASE, AXONAL, AUTOSOMAL DOMINANT, TYPE 2O; Charcot-Marie-Tooth Neuropathy Type 2O; Charcot-Marie-Tooth disease, axonal, type 20. Identifiers: Orphanet 284232, MedGen C3280220, MONDO:0013644, OMIM 614228.

Allele frequency attached by ClinVar (database versions not stated): gnomAD 0.00001 and 0.00002; TOPMed 0.00001; ExAC 0.00003; 1000 Genomes Project 30x 0.00016; 1000 Genomes Project 0.00020.
gnomAD v4.1: 24 of 1,613,708 alleles (0.0015%); highest among the groups gnomAD compares: East Asian, 0.0022%; no homozygotes.

Submissions (2):

Labcorp Genetics (formerly Invitae), Labcorp
Classification: Likely benign for Charcot-Marie-Tooth disease axonal type 2O. Last evaluated: 2023-12-18. Review status: criteria provided, single submitter. Criteria: Invitae Variant Classification Sherloc (09022015). Collection method: clinical testing. Allele origin: germline.

GeneDx
Classification: Likely benign. Last evaluated: 2016-07-05. Review status: criteria provided, single submitter. Criteria: GeneDx Variant Classification (06012015). Collection method: clinical testing. Allele origin: germline. Affected: yes.
Comment: This variant is considered likely benign or benign based on one or more of the following criteria: it is a conservative change, it occurs at a poorly conserved position in the protein, it is predicted to be benign by multiple in silico algorithms, and/or has population frequency not consistent with disease.

NM_001376.5(DYNC1H1):c.5700G>T (p.Leu1900=)

Gene: DYNC1H1 (dynein cytoplasmic 1 heavy chain 1; plus strand). Cytogenetic location: 14q32.31.
Variant type: single nucleotide variant.
Coding change: c.5700G>T on transcript NM_001376.5 (MANE Select); coding-DNA position 5700, G replaced by T.
Protein change: p.Leu1900=; no amino-acid change (leucine 1900 retained).
Molecular consequence: synonymous variant.
Genome position (GRCh38, 1-based): chr14:102,006,154, G>T. VCF-style: chr14-102006154-G-T. GRCh37 (hg19) VCF-style: chr14-102472491-G-T.
Identifiers: ClinVar variation 377817 (VCV000377817.10), dbSNP rs552313071, ClinGen allele CA7352457.